The following is an entry in ClinVar:

ClinVar aggregate classification (germline): Likely pathogenic (1 of 4 stars; one submission).

Conditions:
Trichorhinophalangeal dysplasia type I (TRPS1). Also called: TRICHORHINOPHALANGEAL SYNDROME, TYPE I; TRPS I. Identifiers: Orphanet 77258, MedGen C0432233, MONDO:0008596, OMIM 190350.

Submission:

Department of Pediatric Genetics, University of Health Sciences, Ankara Bilkent City Children’s Hospital
Classification: Likely pathogenic for Trichorhinophalangeal dysplasia type I. Last evaluated: 2025-10-10. Review status: criteria provided, single submitter. Criteria: ACMG Guidelines, 2015. Collection method: clinical testing. Allele origin: maternal. Affected: yes.
Comment: The c.2558_2564dup variant in the TRPS1 gene (NM_014112.5) is a frameshift located in exon 5 and has not been previously reported in ClinVar. This variant is predicted to result in loss of function due to a truncated or absent protein (PVS1). In summary, this variant meets the criteria to be classified as likely pathogenic for Trichorhinophalangeal syndrome type I (OMIM #190350), based on the ACMG guidelines (Richards et al., 2015), with supporting evidence from criteria PVS1, PM2, and PP1.

NM_014112.5(TRPS1):c.2558_2564dup (p.Ile855fs)

Gene: TRPS1 (transcriptional repressor GATA binding 1; minus strand). Cytogenetic location: 8q23.3.
Variant type: Duplication.
Coding change: c.2558_2564dup on transcript NM_014112.5 (MANE Select); coding-DNA positions 2558 to 2564, 7 bases duplicated (GACCTAT; older notation c.2558_2564dupGACCTAT).
Protein change: p.Ile855fs; shifts the reading frame from isoleucine 855.
Molecular consequence: frameshift variant.
Genome position (GRCh38, 1-based): chr8:115,587,137-115,587,143, ATAGGTC duplicated on the plus strand (GACCTAT on the coding strand, the reverse complement: TRPS1 is on the minus strand). VCF-style (leftmost placement, unchanged base first): chr8-115587136-A-AATAGGTC. GRCh37 (hg19) VCF-style: chr8-116599363-A-AATAGGTC.
Other names: c.2531_2537dup, p.Ile846fs (NM_001282902.3); c.2537_2543dup, p.Ile848fs (NM_001282903.3); c.2519_2525dup, p.Ile842fs (NM_001330599.2); short protein forms I842fs, I846fs, I848fs, I855fs.
Identifiers: ClinVar variation 4819367 (VCV004819367.1).
Genomic context (GRCh38, chr8:115,587,136, plus strand): 5'-CTTCTCTCCGCCAGCTGGCGCCCCCTGCAGGAATCCCTTGGTTTCCACAGCCAAGCCATA[A>AATAGGTC]ATAGGTCGCGCCAGATGGGCGGCCTCCACATTGGGACTATCCCTTAGAGTCTTTGTCTGC-3'